The following is an entry in ClinVar:

NM_000282.4(PCCA):c.1756_1757del (p.Asp586fs)

Gene: PCCA (propionyl-CoA carboxylase subunit alpha; plus strand). Cytogenetic location: 13q32.3.
Variant type: Deletion.
Coding change: c.1756_1757del on transcript NM_000282.4 (MANE Select); coding-DNA positions 1756 to 1757, 2 bases deleted (GA; older notation c.1756_1757delGA).
Protein change: p.Asp586fs; shifts the reading frame from aspartic acid 586.
Molecular consequence: frameshift variant. On other transcripts: non-coding transcript variant (5).
Genome position (GRCh38, 1-based): chr13:100,425,642-100,425,643, GA deleted. VCF-style (leftmost placement, unchanged base first): chr13-100425641-TGA-T. GRCh37 (hg19) VCF-style: chr13-101077895-TGA-T.
Other names: c.1678_1679del, p.Asp560fs (NM_001127692.3, NM_001352607.2); c.1756_1757del, p.Asp586fs (NM_001178004.2, NM_001352605.2, NM_001352609.2); c.1612_1613del, p.Asp538fs (NM_001352606.2); c.1534_1535del, p.Asp512fs (NM_001352608.2); c.811_812del, p.Asp271fs (NM_001352610.2, NM_001352611.2); c.667_668del, p.Asp223fs (NM_001352612.2); short protein forms D223fs, D271fs, D512fs, D538fs, D560fs, D586fs.
Identifiers: ClinVar variation 1724815 (VCV001724815.2), dbSNP rs2548676740, ClinGen allele CA2580086974.
Genomic context (GRCh38, chr13:100,425,641, plus strand): 5'-ATCAGTTTTCTGTCTTTCTTCATGGTAATGGTCTTATTTGGTGTCACAACAGGTGGAAGT[TGA>T]TGGGTCGAAACTAAATGTGACCAGCACGTGGAACCTGGCTTCGCCCTTATTGTCTGTCAG-3'

ClinVar aggregate classification (germline): Likely pathogenic (1 of 4 stars; one submission).

Conditions:
Propionic acidemia (PROP). Also called: GLYCINEMIA, KETOTIC; HYPERGLYCINEMIA WITH KETOACIDOSIS AND LEUKOPENIA; KETOTIC HYPERGLYCINEMIA. Identifiers: Orphanet 35, MedGen C0268579, MONDO:0011628, OMIM 606054, HP:0003571.

Submission:

Myriad Genetics, Inc.
Classification: Likely pathogenic for Propionic acidemia. Last evaluated: 2022-02-28. Review status: criteria provided, single submitter. Criteria: Myriad Women's Health Autosomal Recessive and X-Linked Classification Criteria (2021). Collection method: clinical testing. Allele origin: unknown.
Comment: NM_000282.3(PCCA):c.1756_1757delGA(D586Wfs*22) is expected to be pathogenic in the context of PCCA-related propionic acidemia. This variant is predicted to lead to an abnormal or absent protein product due to the creation of a premature termination codon in PCCA, a gene where loss-of-function variants are known to be pathogenic. Please note: this variant was assessed in the context of healthy population screening.